The following is an entry in ClinVar:

NM_001379200.1(TBX1):c.408C>T (p.Gly136=)

Gene: TBX1 (T-box transcription factor 1; plus strand). Cytogenetic location: 22q11.21.
Variant type: single nucleotide variant.
Coding change: c.408C>T on transcript NM_001379200.1 (MANE Select); coding-DNA position 408, C replaced by T.
Protein change: p.Gly136=; no amino-acid change (glycine 136 retained).
Molecular consequence: synonymous variant.
Genome position (GRCh38, 1-based): chr22:19,761,251, C>T. VCF-style: chr22-19761251-C-T. GRCh37 (hg19) VCF-style: chr22-19748774-C-T.
Other names: c.381C>T, p.Gly127= (NM_005992.1, NM_080646.2, NM_080647.1).
Identifiers: ClinVar variation 3600821 (VCV003600821.1).

ClinVar aggregate classification (germline): Uncertain significance (1 of 4 stars; one submission).

gnomAD v4.1: 1 of 1,567,152 alleles (0.000064%); highest among the groups gnomAD compares: Non-Finnish European, 0.000087%; no homozygotes.

Submission:

GeneDx
Classification: Uncertain significance. Last evaluated: 2024-07-24. Review status: criteria provided, single submitter. Criteria: GeneDx Variant Classification Process June 2021. Collection method: clinical testing. Allele origin: germline. Affected: yes.
Comment: Not observed at significant frequency in large population cohorts (gnomAD); In silico analysis indicates that this variant does not alter splicing; Has not been previously published as pathogenic or benign to our knowledge